The following is an entry in ClinVar:

NM_001375808.2(LPIN2):c.1282G>A (p.Gly428Ser)

Gene: LPIN2 (lipin 2; minus strand). Cytogenetic location: 18p11.31.
Variant type: single nucleotide variant.
Coding change: c.1282G>A on transcript NM_001375808.2 (MANE Select); coding-DNA position 1282, G replaced by A.
Protein change: p.Gly428Ser; replaces glycine 428 with serine.
Molecular consequence: missense variant.
Genome position (GRCh38, 1-based): chr18:2,931,430, C>T on the plus strand (G>A on the coding strand, the complement: LPIN2 is on the minus strand). VCF-style: chr18-2931430-C-T. GRCh37 (hg19) VCF-style: chr18-2931428-C-T.
Other names: c.1282G>A, p.Gly428Ser (NM_001375809.1, NM_014646.2); short protein forms G428S.
Identifiers: ClinVar variation 536354 (VCV000536354.13), dbSNP rs768189312, ClinGen allele CA8873139.

ClinVar aggregate classification (germline): Uncertain significance. Review status: criteria provided, multiple submitters, no conflicts (2 of 4 stars). 3 submissions from 3 submitters: Uncertain significance (3). Last evaluated 2025-01-09.

Conditions:
Autoinflammatory syndrome. Identifiers: Orphanet 93665, MedGen C3890737, MONDO:0019751.
Majeed syndrome (MJDS). Also called: LPIN2-Related Majeed Syndrome; CHRONIC RECURRENT MULTIFOCAL OSTEOMYELITIS 1, WITH CONGENITAL DYSERYTHROPOIETIC ANEMIA, WITH OR WITHOUT NEUTROPHILIC DERMATOSIS. Identifiers: Orphanet 77297, MedGen C1864997, MONDO:0012316, OMIM 609628.

Allele frequency attached by ClinVar (database versions not stated): gnomAD 0.00004; gnomAD exomes 0.00004 and 0.00007; TOPMed 0.00005; ExAC 0.00008.
gnomAD v4.1: 66 of 1,591,092 alleles (0.0041%); highest among the groups gnomAD compares: South Asian, 0.0034%; no homozygotes.

Submissions (3):

ARUP Laboratories, Molecular Genetics and Genomics, ARUP Laboratories
Classification: Uncertain significance for Majeed syndrome. Last evaluated: 2025-01-09. Review status: criteria provided, single submitter. Criteria: ARUP Molecular Germline Variant Investigation Process 2024. Collection method: clinical testing. Allele origin: germline.
Comment: The LPIN2 c.1282G>A; p.Gly428Ser variant (rs768189312, ClinVar variation ID: 536354), is reported in the literature in an individual with cryopyrin-associated periodic syndrome (CAPS), but the variant's significance was not determined (Rusmini 2016). This variant is found in the general population with an overall allele frequency of 0.007% (17/239312 alleles) in the Genome Aggregation Database (v2.1.1). Computational analyses are uncertain whether this variant is neutral or deleterious (REVEL: 0.287). Due to limited information, the clinical significance of this variant is uncertain at this time. References: Rusmini M et al. Next-generation sequencing and its initial applications for molecular diagnosis of systemic auto-inflammatory diseases. Ann Rheum Dis. 2016 Aug;75(8):1550-7. PMID: 26386126.

Labcorp Genetics (formerly Invitae), Labcorp
Classification: Uncertain significance for Majeed syndrome. Last evaluated: 2022-02-09. Review status: criteria provided, single submitter. Criteria: Invitae Variant Classification Sherloc (09022015). Collection method: clinical testing. Allele origin: germline.
Comment: This sequence change replaces glycine, which is neutral and non-polar, with serine, which is neutral and polar, at codon 428 of the LPIN2 protein (p.Gly428Ser). This variant is present in population databases (rs768189312, gnomAD 0.09%). This missense change has been observed in individual(s) with cryoyrin-associated periodic syndrome (CAPS) (PMID: 26386126). ClinVar contains an entry for this variant (Variation ID: 536354). Algorithms developed to predict the effect of missense changes on protein structure and function output the following: SIFT: "Tolerated"; PolyPhen-2: "Benign"; Align-GVGD: "Class C0". The serine amino acid residue is found in multiple mammalian species, which suggests that this missense change does not adversely affect protein function. In summary, the available evidence is currently insufficient to determine the role of this variant in disease. Therefore, it has been classified as a Variant of Uncertain Significance.

Genome Diagnostics Laboratory, The Hospital for Sick Children
Classification: Uncertain significance for Autoinflammatory syndrome. Last evaluated: 2020-02-01. Review status: criteria provided, single submitter. Criteria: ACMG Guidelines, 2015. Collection method: clinical testing. Allele origin: germline. Affected: yes.

Literature cited by the submitters: PubMed 26386126 (cited by Labcorp Genetics (formerly Invitae), Labcorp).